The following is an entry in ClinVar:

ClinVar aggregate classification (germline): Benign. Review status: criteria provided, single submitter (1 of 4 stars). 2 submissions from 2 submitters: Benign (1). 1 of the submissions does not count toward it. Last evaluated 2018-06-26.

Conditions:
SHROOM3-related disorder. Also called: SHROOM3-related condition.

Allele frequency attached by ClinVar (database versions not stated): ESP Exome Variant Server 0.00308; TOPMed 0.00384; 1000 Genomes Project 0.00499.
gnomAD v4.1: 870 of 744,110 alleles (0.12%); highest among the groups gnomAD compares: African/African-American, 2%; 6 homozygotes.

Submissions (2):

Labcorp Genetics (formerly Invitae), Labcorp
Classification: Benign. Last evaluated: 2018-06-26. Review status: criteria provided, single submitter. Criteria: Invitae Variant Classification Sherloc (09022015). Collection method: clinical testing. Allele origin: germline.

PreventionGenetics, part of Exact Sciences
Classification: Benign for SHROOM3-related condition. Last evaluated: 2019-06-26. Review status: no assertion criteria provided. Collection method: clinical testing. Allele origin: germline. Not counted in ClinVar's aggregate classification.
Comment: This variant is classified as benign based on ACMG/AMP sequence variant interpretation guidelines (Richards et al. 2015 PMID: 25741868, with internal and published modifications).

NM_020859.4(SHROOM3):c.4602G>T (p.Pro1534=)

Genes: SHROOM3-AS1 (SHROOM3 antisense RNA 1; minus strand), SHROOM3 (shroom family member 3; plus strand). Cytogenetic location: 4q21.1.
Variant type: single nucleotide variant.
Coding change: c.4602G>T on transcript NM_020859.4 (MANE Select); coding-DNA position 4602, G replaced by T.
Protein change: p.Pro1534=; no amino-acid change (proline 1534 retained).
Molecular consequence: synonymous variant.
Genome position (GRCh38, 1-based): chr4:76,755,085, G>T. VCF-style: chr4-76755085-G-T. GRCh37 (hg19) VCF-style: chr4-77676238-G-T.
Identifiers: ClinVar variation 725275 (VCV000725275.5), dbSNP rs150704894, ClinGen allele CA2973054.